The following is an entry in ClinVar:

ClinVar aggregate classification (germline): Uncertain significance (1 of 4 stars; one submission).

gnomAD v4.1: 3 of 1,614,166 alleles (0.00019%); highest among the groups gnomAD compares: Non-Finnish European, 0.00025%; no homozygotes.

Submission:

Labcorp Genetics (formerly Invitae), Labcorp
Classification: Uncertain significance. Last evaluated: 2024-10-07. Review status: criteria provided, single submitter. Criteria: Invitae Variant Classification Sherloc (09022015). Collection method: clinical testing. Allele origin: germline.
Comment: This sequence change replaces proline, which is neutral and non-polar, with arginine, which is basic and polar, at codon 26 of the FGF9 protein (p.Pro26Arg). This variant is not present in population databases (gnomAD no frequency). This variant has not been reported in the literature in individuals affected with FGF9-related conditions. ClinVar contains an entry for this variant (Variation ID: 1473856). An algorithm developed to predict the effect of missense changes on protein structure and function (PolyPhen-2) suggests that this variant is likely to be tolerated. In summary, the available evidence is currently insufficient to determine the role of this variant in disease. Therefore, it has been classified as a Variant of Uncertain Significance.

NM_002010.3(FGF9):c.77C>G (p.Pro26Arg)

Gene: FGF9 (fibroblast growth factor 9; plus strand). Cytogenetic location: 13q12.11.
Variant type: single nucleotide variant.
Coding change: c.77C>G on transcript NM_002010.3 (MANE Select); coding-DNA position 77, C replaced by G.
Protein change: p.Pro26Arg; replaces proline 26 with arginine.
Molecular consequence: missense variant.
Genome position (GRCh38, 1-based): chr13:21,671,989, C>G. VCF-style: chr13-21671989-C-G. GRCh37 (hg19) VCF-style: chr13-22246128-C-G.
Other names: short protein forms P26R.
Identifiers: ClinVar variation 1473856 (VCV001473856.6), dbSNP rs1871779721, ClinGen allele CA387673878.
Genomic context (GRCh38, chr13:21,671,989, plus strand): 5'-AAGTTGGGAACTATTTCGGTGTGCAGGATGCGGTACCGTTTGGGAATGTGCCCGTGTTGC[C>G]GGTGGACAGCCCGGTTTTGTTAAGTGACCACCTGGGTCAGTCCGAAGCAGGGGGGCTCCC-3'
Protein context (NP_002001.1, residues 16-36): AVPFGNVPVL[Pro26Arg]VDSPVLLSDH